The following is an entry in ClinVar:

ClinVar aggregate classification (germline): Pathogenic (1 of 4 stars; one submission).

Submission:

Labcorp Genetics (formerly Invitae), Labcorp
Classification: Pathogenic. Last evaluated: 2022-11-08. Review status: criteria provided, single submitter. Criteria: Invitae Variant Classification Sherloc (09022015). Collection method: clinical testing. Allele origin: germline.
Comment: This sequence change creates a premature translational stop signal (p.Thr1055Hisfs*39) in the ARHGEF18 gene. It is expected to result in an absent or disrupted protein product. Loss-of-function variants in ARHGEF18 are known to be pathogenic (PMID: 28132693). For these reasons, this variant has been classified as Pathogenic. ClinVar contains an entry for this variant (Variation ID: 1454778). This variant has not been reported in the literature in individuals affected with ARHGEF18-related conditions. This variant is not present in population databases (gnomAD no frequency).

Literature cited by the submitters: PubMed 28132693.

NM_001367823.1(ARHGEF18):c.3726dup (p.Thr1243fs)

Gene: ARHGEF18 (Rho/Rac guanine nucleotide exchange factor 18; plus strand). Cytogenetic location: 19p13.2.
Variant type: Duplication.
Coding change: c.3726dup on transcript NM_001367823.1 (MANE Select); coding-DNA position 3726, one base duplicated (C; older notation c.3726dupC).
Protein change: p.Thr1243fs; shifts the reading frame from threonine 1243.
Molecular consequence: frameshift variant.
Genome position (GRCh38, 1-based): chr19:7,469,070, C duplicated; the last of 2 consecutive C bases (chr19:7,469,069-7,469,070); duplicating either gives the same sequence. VCF-style (leftmost placement, unchanged base first): chr19-7469068-T-TC. GRCh37 (hg19) VCF-style: chr19-7533954-T-TC.
Other names: c.3000dup, p.Thr1001fs (NM_001130955.2); c.2688dup, p.Thr897fs (NM_001367824.1, NM_015318.4); short protein forms T897fs, T1001fs, T1243fs.
Identifiers: ClinVar variation 1454778 (VCV001454778.6), dbSNP rs1976849780, ClinGen allele CA2320933152.